The following is an entry in ClinVar:

NM_000169.3(GLA):c.646dup (p.Tyr216fs)

Genes: GLA (galactosidase alpha; minus strand), RPL36A-HNRNPH2 (RPL36A-HNRNPH2 readthrough; plus strand). Cytogenetic location: Xq22.1.
Variant type: Duplication.
Coding change: c.646dup on transcript NM_000169.3 (MANE Select); coding-DNA position 646, one base duplicated (T; older notation c.646dupT).
Protein change: p.Tyr216fs; shifts the reading frame from tyrosine 216.
Molecular consequence: frameshift variant. On other transcripts: non-coding transcript variant (3), intron variant (2).
Genome position (GRCh38, 1-based): chrX:101,398,940, A duplicated on the plus strand (T on the coding strand, the reverse complement: GLA is on the minus strand); the first of 2 consecutive A bases (chrX:101,398,940-101,398,941); duplicating either gives the same sequence. VCF-style (leftmost placement, unchanged base first): chrX-101398939-T-TA. GRCh37 (hg19) VCF-style: chrX-100653927-T-TA.
Other names: c.646dupT (NM_000169.2); c.646dup, p.Tyr216fs (NM_001406748.1); c.300+3484dup (NM_001199973.2); c.177+7119dup (NM_001199974.2); c.769dup, p.Tyr257fs (NM_001406747.1); short protein forms Y216fs, Y257fs.
Identifiers: ClinVar variation 992221 (VCV000992221.4), dbSNP rs1928199153, ClinGen allele CA1139667721.

ClinVar aggregate classification (germline): Pathogenic. Review status: criteria provided, multiple submitters, no conflicts (2 of 4 stars). 2 submissions from 2 submitters: Pathogenic (2). Last evaluated 2026-09-08.

Conditions:
Fabry disease. Also called: ALPHA-GALACTOSIDASE A DEFICIENCY; CERAMIDE TRIHEXOSIDASE DEFICIENCY; GLA DEFICIENCY; HEREDITARY DYSTOPIC LIPIDOSIS; Angiokeratoma corporis diffusum; Fabry's disease. Identifiers: Orphanet 324, MedGen C0002986, MONDO:0010526, OMIM 301500, HP:0001071. Disease mechanism: loss of function, Fabry disease is due to inactivating mutations in the X-linked GLA gene resulting in deficiency of the enzyme Alpha Galactosidase-A..

Submissions (2):

Genomenon, Inc
Classification: Pathogenic for Fabry disease. Last evaluated: 2026-09-08. Review status: criteria provided, single submitter. Criteria: Genomenon Sequence Variant Interpretation Standards - Updated. Collection method: curation. Allele origin: germline. Affected: yes.
Comment: GLA p.Tyr216LeufsTer16 (c.646dup) is a frameshift variant that is predicted to introduce a premature termination codon and result in a truncated or absent protein product. This variant has been observed in at least one proband with clinical features consistent with Fabry disease (PMID:38395389;30834538;28197106;12938095). Functional or patient cell studies have been reported (PMID:30834538;12938095;37634127). It is absent or not present at a significant frequency in gnomAD. In conclusion, we classify GLA p.Tyr216LeufsTer16 (c.646dup) as a pathogenic variant.

Women's Health and Genetics/Laboratory Corporation of America, LabCorp
Classification: Pathogenic for Fabry disease. Last evaluated: 2020-12-02. Review status: criteria provided, single submitter. Criteria: LabCorp Variant Classification Summary - May 2015. Collection method: clinical testing. Allele origin: germline.
Comment: Variant summary: GLA c.646dupT (p.Tyr216LeufsX16) results in a premature termination codon, predicted to cause a truncation of the encoded protein or absence of the protein due to nonsense mediated decay, which are commonly known mechanisms for disease. Truncations downstream of this position have been classified as pathogenic by our laboratory. The variant was absent in 183422 control chromosomes. c.646dupT has been reported in the literature in individuals affected with Fabry Disease (Rodrguez-Mar_2003, Sanofi Genzyme's The Lantern Prjoect). To our knowledge, no experimental evidence demonstrating an impact on protein function has been reported. No clinical diagnostic laboratories have submitted clinical-significance assessments for this variant to ClinVar after 2014. Based on the evidence outlined above, the variant was classified as pathogenic.

Literature cited by the submitters: PubMed 38395389 (cited by Genomenon, Inc); PubMed 30834538 (cited by Genomenon, Inc); PubMed 28197106 (cited by Genomenon, Inc); PubMed 12938095 (cited by Genomenon, Inc and Women's Health and Genetics/Laboratory Corporation of America, LabCorp); PubMed 37634127 (cited by Genomenon, Inc).